The following is an entry in ClinVar:

ClinVar aggregate classification (germline): Uncertain significance (1 of 4 stars; one submission).

Allele frequency attached by ClinVar (database versions not stated): gnomAD exomes 0.00004; ESP Exome Variant Server 0.00023; ExAC 0.00002; gnomAD 0.00003; TOPMed 0.00002.
gnomAD v4.1: 61 of 1,614,062 alleles (0.0038%); highest among the groups gnomAD compares: Non-Finnish European, 0.0049%; no homozygotes.

Submission:

Labcorp Genetics (formerly Invitae), Labcorp
Classification: Uncertain significance. Last evaluated: 2022-11-28. Review status: criteria provided, single submitter. Criteria: Invitae Variant Classification Sherloc (09022015). Collection method: clinical testing. Allele origin: germline.
Comment: In summary, the available evidence is currently insufficient to determine the role of this variant in disease. Therefore, it has been classified as a Variant of Uncertain Significance. Advanced modeling of protein sequence and biophysical properties (such as structural, functional, and spatial information, amino acid conservation, physicochemical variation, residue mobility, and thermodynamic stability) performed at Invitae indicates that this missense variant is not expected to disrupt FAT2 protein function. This sequence change replaces isoleucine, which is neutral and non-polar, with methionine, which is neutral and non-polar, at codon 2817 of the FAT2 protein (p.Ile2817Met). This variant is present in population databases (rs137956807, gnomAD 0.006%). This variant has not been reported in the literature in individuals affected with FAT2-related conditions.

NM_001447.3(FAT2):c.8451T>G (p.Ile2817Met)

Genes: FAT2 (FAT atypical cadherin 2; minus strand), SLC36A1 (solute carrier family 36 member 1; plus strand). Cytogenetic location: 5q33.1.
Variant type: single nucleotide variant.
Coding change: c.8451T>G on transcript NM_001447.3 (MANE Select); coding-DNA position 8451, T replaced by G.
Protein change: p.Ile2817Met; replaces isoleucine 2817 with methionine.
Molecular consequence: missense variant.
Genome position (GRCh38, 1-based): chr5:151,542,676, A>C on the plus strand (T>G on the coding strand, the complement: FAT2 is on the minus strand). VCF-style: chr5-151542676-A-C. GRCh37 (hg19) VCF-style: chr5-150922237-A-C.
Other names: short protein forms I2817M.
Identifiers: ClinVar variation 2046457 (VCV002046457.4), dbSNP rs137956807, ClinGen allele CA3520804.